The following is an entry in ClinVar:

ClinVar aggregate classification (germline): Uncertain significance (1 of 4 stars; one submission).

Conditions:
Encephalopathy, acute, infection-induced (herpes-specific), susceptibility to, 1. Also called: Herpes simplex encephalitis, susceptibility to, 1. Identifiers: Orphanet 1930, MedGen C2750180, MONDO:0024563, OMIM 610551.

gnomAD v4.1: 51 of 1,613,958 alleles (0.0032%); highest among the groups gnomAD compares: Non-Finnish European, 0.0036%; no homozygotes.

Submission:

Labcorp Genetics (formerly Invitae), Labcorp
Classification: Uncertain significance for Encephalopathy, acute, infection-induced (herpes-specific), susceptibility to, 1. Last evaluated: 2025-05-22. Review status: criteria provided, single submitter. Criteria: Invitae Variant Classification Sherloc (09022015). Collection method: clinical testing. Allele origin: germline.
Comment: This sequence change replaces alanine, which is neutral and non-polar, with threonine, which is neutral and polar, at codon 69 of the TLR3 protein (p.Ala69Thr). This variant is present in population databases (rs762922535, gnomAD 0.004%). This variant has not been reported in the literature in individuals affected with TLR3-related conditions. ClinVar contains an entry for this variant (Variation ID: 665949). An algorithm developed to predict the effect of missense changes on protein structure and function outputs the following: PolyPhen-2: "Benign". The threonine amino acid residue is found in multiple mammalian species, which suggests that this missense change does not adversely affect protein function. In summary, the available evidence is currently insufficient to determine the role of this variant in disease. Therefore, it has been classified as a Variant of Uncertain Significance.

NM_003265.3(TLR3):c.205G>A (p.Ala69Thr)

Gene: TLR3 (toll like receptor 3; plus strand). Cytogenetic location: 4q35.1.
Variant type: single nucleotide variant.
Coding change: c.205G>A on transcript NM_003265.3 (MANE Select); coding-DNA position 205, G replaced by A.
Protein change: p.Ala69Thr; replaces alanine 69 with threonine.
Molecular consequence: missense variant.
Genome position (GRCh38, 1-based): chr4:186,076,824, G>A. VCF-style: chr4-186076824-G-A. GRCh37 (hg19) VCF-style: chr4-186997978-G-A.
Other names: short protein forms A69T.
Identifiers: ClinVar variation 665949 (VCV000665949.9), dbSNP rs762922535, ClinGen allele CA3161176.
Genomic context (GRCh38, chr4:186,076,824, plus strand): 5'-CTACCCACAAACATAACAGTGTTGAACCTTACCCATAATCAACTCAGAAGATTACCAGCC[G>A]CCAACTTCACAAGGTATAGCCAGCTAACTAGCTTGGATGTAGGATTTAACACCATCTCAA-3'
Protein context (NP_003256.1, residues 59-79): THNQLRRLPA[Ala69Thr]NFTRYSQLTS